The following is an entry in ClinVar:

ClinVar aggregate classification (germline): Uncertain significance. Review status: criteria provided, multiple submitters, no conflicts (2 of 4 stars). 2 submissions from 2 submitters: Uncertain significance (2). Last evaluated 2025-06-16.

Conditions:
Cardiovascular phenotype. Identifiers: MedGen CN230736.
MYH6-related disorder. Also called: MYH6-related condition; MYH6-Related Disorders.

gnomAD v4.1: 2 of 1,614,018 alleles (0.00012%); highest among the groups gnomAD compares: African/African-American, 0.0013%; no homozygotes.

Submissions (2):

PreventionGenetics, part of Exact Sciences
Classification: Uncertain significance for MYH6-related condition. Last evaluated: 2025-06-16. Review status: criteria provided, single submitter. Criteria: ACMG Guidelines, 2015. Collection method: clinical testing. Allele origin: germline.
Comment: The MYH6 c.1685A>G variant is predicted to result in the amino acid substitution p.Asn562Ser. To our knowledge, this variant has not been reported in the literature. This variant is reported in 0.00088% of alleles in individuals of European (Non-Finnish) descent in gnomAD. At this time, the clinical significance of this variant is uncertain due to the absence of conclusive functional and genetic evidence.

Ambry Genetics
Classification: Uncertain significance for Cardiovascular phenotype. Last evaluated: 2024-10-27. Review status: criteria provided, single submitter. Criteria: Ambry Variant Classification Scheme 2023. Collection method: clinical testing. Allele origin: germline.
Comment: The p.N562S variant (also known as c.1685A>G), located in coding exon 13 of the MYH6 gene, results from an A to G substitution at nucleotide position 1685. The asparagine at codon 562 is replaced by serine, an amino acid with highly similar properties. This amino acid position is conserved. In addition, this alteration is predicted to be tolerated by in silico analysis. Based on the available evidence, the clinical significance of this variant remains unclear.

NM_002471.4(MYH6):c.1685A>G (p.Asn562Ser)

Gene: MYH6 (myosin heavy chain 6; minus strand). Cytogenetic location: 14q11.2.
Variant type: single nucleotide variant.
Coding change: c.1685A>G on transcript NM_002471.4 (MANE Select); coding-DNA position 1685, A replaced by G.
Protein change: p.Asn562Ser; replaces asparagine 562 with serine.
Molecular consequence: missense variant.
Genome position (GRCh38, 1-based): chr14:23,398,934, T>C on the plus strand (A>G on the coding strand, the complement: MYH6 is on the minus strand). VCF-style: chr14-23398934-T-C. GRCh37 (hg19) VCF-style: chr14-23868143-T-C.
Other names: short protein forms N562S.
Identifiers: ClinVar variation 3400883 (VCV003400883.2).